The following is an entry in ClinVar:

ClinVar aggregate classification (germline): Uncertain significance (1 of 4 stars; one submission).

Conditions:
Mucopolysaccharidosis, MPS-IV-A (MPS4A). Also called: Morquio syndrome A, mild; MORQUIO SYNDROME A; GALACTOSAMINE-6-SULFATASE DEFICIENCY; GALNS DEFICIENCY; MORQUIO A DISEASE; Mucopolysaccharidosis type IV A. Identifiers: Orphanet 309297, Orphanet 582, MedGen C0086651, MONDO:0009659, OMIM 253000.

gnomAD v4.1: 15 of 1,540,498 alleles (0.00097%); highest among the groups gnomAD compares: South Asian, 0.0095%; no homozygotes.

Submission:

Neuberg Centre For Genomic Medicine, NCGM
Classification: Uncertain significance for Mucopolysaccharidosis, MPS-IV-A. Review status: criteria provided, single submitter. Criteria: ACMG Guidelines, 2015. Collection method: clinical testing. Allele origin: germline. Inheritance: Autosomal recessive inheritance. Affected: yes.
Comment: The observed missense c.95A>G (p.Asn32Ser) variant in GALNS gene has not been reported previously as a pathogenic variant nor as a benign variant, to our knowledge. The p.Asn32Ser variant is present with allele frequency of 0.003% in gnomAD Exomes. This variant has not been submitted to the ClinVar database. Multiple lines of computational evidence (Polyphen - Probably damaging, SIFT – Damaging and Mutation Taster - Disease causing) predict a damaging effect on protein structure and function for this variant. The reference amino acid at this position on GALNS gene is predicted as conserved by GERP++ and PhyloP across 100 vertebrates. The amino acid Asn at position 32 is changed to a Ser changing protein sequence and it might alter its composition and physico-chemical properties. For these reasons, this variant has been classified as Variant of Uncertain Significance (VUS).

NM_000512.5(GALNS):c.95A>G (p.Asn32Ser)

Genes: GALNS (galactosamine (N-acetyl)-6-sulfatase; minus strand), TRAPPC2L (trafficking protein particle complex subunit 2L; plus strand), LOC130059762 (ATAC-STARR-seq lymphoblastoid silent region 7883; plus strand). Cytogenetic location: 16q24.3.
Variant type: single nucleotide variant.
Coding change: c.95A>G on transcript NM_000512.5 (MANE Select); coding-DNA position 95, A replaced by G.
Protein change: p.Asn32Ser; replaces asparagine 32 with serine.
Molecular consequence: missense variant. On other transcripts: 5 prime UTR variant (2).
Genome position (GRCh38, 1-based): chr16:88,856,783, T>C on the plus strand (A>G on the coding strand, the complement: GALNS is on the minus strand). VCF-style: chr16-88856783-T-C. GRCh37 (hg19) VCF-style: chr16-88923191-T-C.
Other names: c.-337A>G (NM_001323543.2); c.-58A>G (NM_001323544.2); short protein forms N32S.
Identifiers: ClinVar variation 3603280 (VCV003603280.1).